The following is an entry in ClinVar:

NM_001371904.1(APOA5):c.733C>T (p.Arg245Cys)

Gene: APOA5 (apolipoprotein A5; minus strand). Cytogenetic location: 11q23.3.
Variant type: single nucleotide variant.
Coding change: c.733C>T on transcript NM_001371904.1 (MANE Select); coding-DNA position 733, C replaced by T.
Protein change: p.Arg245Cys; replaces arginine 245 with cysteine.
Molecular consequence: missense variant.
Genome position (GRCh38, 1-based): chr11:116,790,496, G>A on the plus strand (C>T on the coding strand, the complement: APOA5 is on the minus strand). VCF-style: chr11-116790496-G-A. GRCh37 (hg19) VCF-style: chr11-116661212-G-A.
Other names: c.733C>T, p.Arg245Cys (NM_001166598.2, NM_052968.5); short protein forms R245C.
Identifiers: ClinVar variation 2137251 (VCV002137251.4), dbSNP rs376196775, ClinGen allele CA6289009.

ClinVar aggregate classification (germline): Uncertain significance (1 of 4 stars; one submission).

Allele frequency attached by ClinVar (database versions not stated): gnomAD exomes 0.00001; ExAC 0.00003; TOPMed 0.00003; gnomAD 0.00004; ESP Exome Variant Server 0.00008.

Submission:

Labcorp Genetics (formerly Invitae), Labcorp
Classification: Uncertain significance. Last evaluated: 2024-10-28. Review status: criteria provided, single submitter. Criteria: Invitae Variant Classification Sherloc (09022015). Collection method: clinical testing. Allele origin: germline.
Comment: This sequence change replaces arginine, which is basic and polar, with cysteine, which is neutral and slightly polar, at codon 245 of the APOA5 protein (p.Arg245Cys). This variant is present in population databases (rs376196775, gnomAD 0.02%). This missense change has been observed in individual(s) with myocardial infarction (PMID: 25487149, 36325899). ClinVar contains an entry for this variant (Variation ID: 2137251). An algorithm developed to predict the effect of missense changes on protein structure and function (PolyPhen-2) suggests that this variant is likely to be disruptive. In summary, the available evidence is currently insufficient to determine the role of this variant in disease. Therefore, it has been classified as a Variant of Uncertain Significance.

Literature cited by the submitters: PubMed 25487149; PubMed 36325899.